The following is an entry in ClinVar:

ClinVar aggregate classification (germline): Uncertain significance (1 of 4 stars; one submission).

Conditions:
Myofibrillar myopathy 5. Also called: Filaminopathy (type); FILAMINOPATHY, AUTOSOMAL DOMINANT. Identifiers: Orphanet 171445, MedGen C1836050, MONDO:0012289, OMIM 609524.
Distal myopathy with posterior leg and anterior hand involvement. Also called: WILLIAMS DISTAL MYOPATHY. Identifiers: Orphanet 63273, MedGen C3279722, MONDO:0013550, OMIM 614065.
Hypertrophic cardiomyopathy 26. Also called: Cardiomyopathy, familial hypertrophic, 26. Identifiers: Orphanet 75249, MedGen C4310749, MONDO:0014883, OMIM 617047.

Submission:

Labcorp Genetics (formerly Invitae), Labcorp
Classification: Uncertain significance for Distal myopathy with posterior leg and anterior hand involvement; Myofibrillar myopathy 5; Hypertrophic cardiomyopathy 26. Last evaluated: 2021-08-04. Review status: criteria provided, single submitter. Criteria: Invitae Variant Classification Sherloc (09022015). Collection method: clinical testing. Allele origin: germline.
Comment: This sequence change replaces tryptophan with cysteine at codon 135 of the FLNC protein (p.Trp135Cys). The tryptophan residue is highly conserved and there is a large physicochemical difference between tryptophan and cysteine. This variant is not present in population databases (ExAC no frequency). This variant has not been reported in the literature in individuals affected with FLNC-related conditions. Algorithms developed to predict the effect of missense changes on protein structure and function are either unavailable or do not agree on the potential impact of this missense change (SIFT: "Deleterious"; PolyPhen-2: "Probably Damaging"; Align-GVGD: "Class C0"). Algorithms developed to predict the effect of sequence changes on RNA splicing suggest that this variant may create or strengthen a splice site. In summary, the available evidence is currently insufficient to determine the role of this variant in disease. Therefore, it has been classified as a Variant of Uncertain Significance.

NM_001458.5(FLNC):c.405G>T (p.Trp135Cys)

Gene: FLNC (filamin C; plus strand). Cytogenetic location: 7q32.1.
Variant type: single nucleotide variant.
Coding change: c.405G>T on transcript NM_001458.5 (MANE Select); coding-DNA position 405, G replaced by T.
Protein change: p.Trp135Cys; replaces tryptophan 135 with cysteine.
Molecular consequence: missense variant.
Genome position (GRCh38, 1-based): chr7:128,835,378, G>T. VCF-style: chr7-128835378-G-T. GRCh37 (hg19) VCF-style: chr7-128475432-G-T.
Other names: c.405G>T, p.Trp135Cys (NM_001127487.2); short protein forms W135C.
Identifiers: ClinVar variation 1372532 (VCV001372532.6), dbSNP rs2128933620, ClinGen allele CA369218868.
Genomic context (GRCh38, chr7:128,835,378, plus strand): 5'-CTCTGCAGACAGCAAGGCCATCGTGGATGGGAACCTGAAGCTGATCCTGGGCCTGATCTG[G>T]ACGCTGATCCTGCACTACTCCATCTCCATGCCCATGTGGGAGGATGAAGATGATGAGGAT-3'
Protein context (NP_001449.3, residues 125-145): GNLKLILGLI[Trp135Cys]TLILHYSISM